The following continues an entry in ClinVar:

NM_000334.4(SCN4A):c.3917G>T (p.Gly1306Val)

ClinVar aggregate classification (germline): Pathogenic. Pathogenic (14).

Submissions 14 to 17 of 17:

Juno Genomics, Hangzhou Juno Genomics, Inc
Classification: Pathogenic for Potassium-aggravated myotonia. Review status: criteria provided, single submitter. Criteria: ACMG Guidelines, 2015. Collection method: clinical testing. Allele origin: germline. Affected: yes.
Comment: Absent from controls (or at extremely low frequency if recessive) in Genome Aggregation Database, Exome Sequencing Project, 1000 Genomes Project, or Exome Aggregation Consortium.;The prevalence of the variant in affected individuals is significantly increased compared to the prevalence in controls.;Novel missense change at an amino acid residue where a different missense change determined to be pathogenic has been seen before.;Multiple lines of computational evidence support a deleterious effect on the gene or gene product (conservation, evolutionary, splicing impact, etc).

Department of Neurology and Geriatrics, Kagoshima University Graduate School of Medical and Dental Sciences
Classification: Pathogenic for SCN4A-related non-dystrophic myotonia. Last evaluated: 2022-04-06. Review status: no assertion criteria provided. Collection method: research. Allele origin: germline. Affected: yes. Not counted in ClinVar's aggregate classification.

OMIM
Classification: Pathogenic for PARAMYOTONIA CONGENITA. Last evaluated: 2009-05-01. Review status: no assertion criteria provided. Collection method: literature only. Allele origin: germline. Not counted in ClinVar's aggregate classification.

OMIM
Classification: Pathogenic for MYOTONIA, POTASSIUM-AGGRAVATED. Last evaluated: 2009-05-01. Review status: no assertion criteria provided. Collection method: literature only. Allele origin: germline. Not counted in ClinVar's aggregate classification.

Literature cited by the submitters: PubMed 1310898 (cited by 5 submitters); PubMed 8044656 (cited by Labcorp Genetics (formerly Invitae), Labcorp and Athena Diagnostics); PubMed 8308722 (cited by 4 submitters); PubMed 17823953 (cited by Labcorp Genetics (formerly Invitae), Labcorp); PubMed 18337100 (cited by Labcorp Genetics (formerly Invitae), Labcorp and OMIM); PubMed 18337730 (cited by Labcorp Genetics (formerly Invitae), Labcorp and Athena Diagnostics); PubMed 20445432 (cited by Labcorp Genetics (formerly Invitae), Labcorp and Athena Diagnostics); PubMed 22094069 (cited by Labcorp Genetics (formerly Invitae), Labcorp); PubMed 27415035 (cited by 4 submitters); PubMed 7473241 (cited by Labcorp Genetics (formerly Invitae), Labcorp and Athena Diagnostics); PubMed 16392038 (cited by Labcorp Genetics (formerly Invitae), Labcorp and Athena Diagnostics); PubMed 7980103 (cited by Labcorp Genetics (formerly Invitae), Labcorp); PubMed 16832098 (cited by Labcorp Genetics (formerly Invitae), Labcorp); PubMed 20713951 (cited by Labcorp Genetics (formerly Invitae), Labcorp); PubMed 25088311 (cited by Labcorp Genetics (formerly Invitae), Labcorp); PubMed 25311598 (cited by Labcorp Genetics (formerly Invitae), Labcorp); PubMed 26080010 (cited by Labcorp Genetics (formerly Invitae), Labcorp); PubMed 26885337 (cited by Labcorp Genetics (formerly Invitae), Labcorp); PubMed 26944947 (cited by Labcorp Genetics (formerly Invitae), Labcorp); PubMed 32660787 (cited by Mayo Clinic Laboratories, Mayo Clinic and Athena Diagnostics); PubMed 32849172 (cited by Mayo Clinic Laboratories, Mayo Clinic and Athena Diagnostics); PubMed 33263785 (cited by Mayo Clinic Laboratories, Mayo Clinic and Athena Diagnostics); PubMed 35907044 (cited by Mayo Clinic Laboratories, Mayo Clinic); PubMed 36796140 (cited by Mayo Clinic Laboratories, Mayo Clinic); PubMed 28150151 (cited by Athena Diagnostics); PubMed 16786525 (cited by Athena Diagnostics).